The following is an entry in ClinVar:

NM_000051.4(ATM):c.2374A>G (p.Lys792Glu)

Gene: ATM (ATM serine/threonine kinase; plus strand). Cytogenetic location: 11q22.3.
Variant type: single nucleotide variant.
Coding change: c.2374A>G on transcript NM_000051.4 (MANE Select); coding-DNA position 2374, A replaced by G.
Protein change: p.Lys792Glu; replaces lysine 792 with glutamic acid.
Molecular consequence: missense variant.
Genome position (GRCh38, 1-based): chr11:108,257,604, A>G. VCF-style: chr11-108257604-A-G. GRCh37 (hg19) VCF-style: chr11-108128331-A-G.
Other names: c.2374A>G, p.Lys792Glu (NM_001351834.2); short protein forms K792E.
Identifiers: ClinVar variation 485167 (VCV000485167.16), dbSNP rs1423446897, ClinGen allele CA382540403.
Genomic context (GRCh38, chr11:108,257,604, plus strand): 5'-AGAATTGGTTCCTTGAGAAATATGATGCAGCTATGTACACGTTGCTTGAGCAACTGTACC[A>G]AGGTAAGATTTTCTTCTTCTTGTTTTGTTTTTTGAGATAGGATCTTTCTCTGTCACCCAG-3'
Protein context (NP_000042.3, residues 782-802): LCTRCLSNCT[Lys792Glu]KSPNKIASGF

ClinVar aggregate classification (germline): Uncertain significance. Review status: criteria provided, multiple submitters, no conflicts (2 of 4 stars). 4 submissions from 4 submitters: Uncertain significance (4). Last evaluated 2025-09-30.

Conditions:
Hereditary cancer-predisposing syndrome. Also called: Hereditary neoplastic syndrome; Neoplastic Syndromes, Hereditary; Tumor predisposition; Hereditary Cancer Syndrome. Identifiers: Orphanet 140162, MedGen C0027672, MeSH D009386, MONDO:0015356.
Ataxia-telangiectasia syndrome (AT). Also called: LOUIS-BAR SYNDROME; Cerebello-oculocutaneous telangiectasia; Immunodeficiency with ataxia telangiectasia; AT, COMPLEMENTATION GROUP C; Ataxia-telangiectasia, complementation group D; ATAXIA-TELANGIECTASIA, COMPLEMENTATION GROUP A. Identifiers: Orphanet 100, MedGen C0004135, MONDO:0008840, OMIM 208900.

Allele frequency attached by ClinVar (database versions not stated): gnomAD exomes 0.00001.
gnomAD v4.1: 6 of 1,613,502 alleles (0.00037%); highest among the groups gnomAD compares: Non-Finnish European, 0.00051%; no homozygotes.

Submissions (4):

Labcorp Genetics (formerly Invitae), Labcorp
Classification: Uncertain significance for Ataxia-telangiectasia syndrome. Last evaluated: 2025-09-30. Review status: criteria provided, single submitter. Criteria: Invitae Variant Classification Sherloc (09022015). Collection method: clinical testing. Allele origin: germline.
Comment: This sequence change replaces lysine, which is basic and polar, with glutamic acid, which is acidic and polar, at codon 792 of the ATM protein (p.Lys792Glu). This variant is present in population databases (no rsID available, gnomAD 0.002%). This variant has not been reported in the literature in individuals affected with ATM-related conditions. ClinVar contains an entry for this variant (Variation ID: 485167). An algorithm developed to predict the effect of missense changes on protein structure and function (PolyPhen-2) suggests that this variant is likely to be tolerated. In summary, the available evidence is currently insufficient to determine the role of this variant in disease. Therefore, it has been classified as a Variant of Uncertain Significance.

Ambry Genetics
Classification: Uncertain significance for Hereditary cancer-predisposing syndrome. Last evaluated: 2024-08-19. Review status: criteria provided, single submitter. Criteria: Ambry Variant Classification Scheme 2023. Collection method: clinical testing. Allele origin: germline.
Comment: The p.K792E variant (also known as c.2374A>G), located in coding exon 14 of the ATM gene, results from an A to G substitution at nucleotide position 2374. The lysine at codon 792 is replaced by glutamic acid, an amino acid with similar properties. This amino acid position is well conserved in available vertebrate species. In addition, this alteration is predicted to be tolerated by in silico analysis. Based on the available evidence, the clinical significance of this variant remains unclear.

Color Diagnostics, LLC DBA Color Health
Classification: Uncertain significance for Hereditary cancer-predisposing syndrome. Last evaluated: 2022-11-01. Review status: criteria provided, single submitter. Criteria: ACMG Guidelines, 2015. Collection method: clinical testing. Allele origin: germline.
Comment: This missense variant replaces lysine with glutamic acid at codon 792 of the ATM protein. Computational prediction suggests that this variant may not impact protein structure and function (internally defined REVEL score threshold <= 0.5, PMID: 27666373). To our knowledge, functional studies have not been reported for this variant. This variant has not been reported in individuals affected with hereditary cancer in the literature. This variant has been identified in 2/251094 chromosomes in the general population by the Genome Aggregation Database (gnomAD). The available evidence is insufficient to determine the role of this variant in disease conclusively. Therefore, this variant is classified as a Variant of Uncertain Significance.

GeneDx
Classification: Uncertain significance. Last evaluated: 2021-07-16. Review status: criteria provided, single submitter. Criteria: GeneDx Variant Classification Process June 2021. Collection method: clinical testing. Allele origin: germline. Affected: yes.
Comment: Not observed at significant frequency in large population cohorts (Lek 2016); In silico analysis supports that this missense variant does not alter protein structure/function; Has not been previously published as pathogenic or benign to our knowledge; This variant is associated with the following publications: (PMID: 27535533)